The following is an entry in ClinVar:

ClinVar aggregate classification (germline): Uncertain significance (1 of 4 stars; one submission).

Submission:

Labcorp Genetics (formerly Invitae), Labcorp
Classification: Uncertain significance. Last evaluated: 2021-05-03. Review status: criteria provided, single submitter. Criteria: Invitae Variant Classification Sherloc (09022015). Collection method: clinical testing. Allele origin: germline.
Comment: This variant is not present in population databases (ExAC no frequency). This sequence change replaces leucine with valine at codon 20 of the GTF2H5 protein (p.Leu20Val). The leucine residue is highly conserved and there is a small physicochemical difference between leucine and valine. In summary, the available evidence is currently insufficient to determine the role of this variant in disease. Therefore, it has been classified as a Variant of Uncertain Significance. Algorithms developed to predict the effect of missense changes on protein structure and function (SIFT, PolyPhen-2, Align-GVGD) all suggest that this variant is likely to be disruptive, but these predictions have not been confirmed by published functional studies and their clinical significance is uncertain. This variant has not been reported in the literature in individuals with GTF2H5-related conditions.

NM_207118.3(GTF2H5):c.58C>G (p.Leu20Val)

Gene: GTF2H5 (general transcription factor IIH subunit 5; plus strand). Cytogenetic location: 6q25.3.
Variant type: single nucleotide variant.
Coding change: c.58C>G on transcript NM_207118.3 (MANE Select); coding-DNA position 58, C replaced by G.
Protein change: p.Leu20Val; replaces leucine 20 with valine.
Molecular consequence: missense variant.
Genome position (GRCh38, 1-based): chr6:158,191,999, C>G. VCF-style: chr6-158191999-C-G. GRCh37 (hg19) VCF-style: chr6-158613031-C-G.
Other names: short protein forms L20V.
Identifiers: ClinVar variation 1440226 (VCV001440226.8), dbSNP rs2128432168, ClinGen allele CA366253251.
Genomic context (GRCh38, chr6:158,191,999, plus strand): 5'-CAACAAGCTGTCTTACAATCATGTGTTTGTCTTTACAGTGATCCTGCCATGAAGCAGTTT[C>G]TGCTGTACTTGGATGAGTCCAATGCCCTGGGGAAGAAGTTCATCATTCAAGACATTGATG-3'
Protein context (NP_997001.1, residues 10-30): IECDPAMKQF[Leu20Val]LYLDESNALG